The following is an entry in ClinVar:

NM_170707.4(LMNA):c.-3_12del (p.Met1_Pro4del)

Gene: LMNA (lamin A/C; plus strand). Cytogenetic location: 1q22.
Variant type: Deletion.
Coding change: c.-3_12del on transcript NM_170707.4 (MANE Select); 3 bases upstream of the start codon through coding-DNA position 12, 15 bases deleted (GCCATGGAGACCCCG).
Protein change: p.Met1_Pro4del.
Molecular consequence: inframe deletion, initiator codon variant.
Genome position (GRCh38, 1-based): chr1:156,114,916-156,114,930, GCCATGGAGACCCCG deleted; deleting any 15 consecutive bases within chr1:156,114,913-156,114,930 gives the same sequence; the c. name uses the placement nearest the transcript's 3' end. VCF-style (leftmost placement, unchanged base first): chr1-156114912-GCCGGCCATGGAGACC-G. GRCh37 (hg19) VCF-style: chr1-156084703-GCCGGCCATGGAGACC-G.
Other names: c.-3_12del, p.Met1_Pro4del (NM_001282625.2, NM_001282626.2, NM_005572.4 and 1 more transcripts).
Identifiers: ClinVar variation 66757 (VCV000066757.3), dbSNP rs267607546, ClinGen allele CA217675.

ClinVar aggregate classification (germline): Pathogenic. Review status: criteria provided, single submitter (1 of 4 stars). 2 submissions from 2 submitters: Pathogenic (1). 1 of the submissions does not count toward it. Last evaluated 2025-09-26.

Conditions:
LMNA-related disorder. Also called: LMNA-related condition; LMNA-related disease; LMNA-related disorders. Identifiers: MedGen CN380145.

Submissions (2):

Molecular Genetics Laboratory, Motol Hospital
Classification: Pathogenic for LMNA-related disorder. Last evaluated: 2025-09-26. Review status: criteria provided, single submitter. Criteria: ACMG Guidelines, 2015. Collection method: clinical testing. Allele origin: germline. Affected: yes. Observed: 1 variant allele.
Comment: The variant is present in gnomAD (v4.1.0), the ClinVar record is incomplete and inconclusive (PM2). Rare variants affecting the LMNA gene are associated with a spectrum of diseases called "laminopathies" (MIM:150330; PMID:17467691). The same amino acid change is a known pathogenic variant (PS1). To conclude, the variant is classified as pathogenic (ACMG PP4, PM2, PS1).

Epithelial Biology;  Institute of Medical Biology, Singapore
No classification provided. Review status: no classification provided. Collection method: not provided. Allele origin: not provided. Not counted in ClinVar's aggregate classification.

Literature cited by the submitters: PubMed 17467691 (cited by Molecular Genetics Laboratory, Motol Hospital).